The following is an entry in ClinVar:

ClinVar aggregate classification (germline): Uncertain significance (1 of 4 stars; one submission).

Conditions:
Hawkinsinuria. Identifiers: Orphanet 2118, MedGen C2931042, MONDO:0007700, OMIM 140350, HP:0034457.
Tyrosinemia type III. Also called: 4-HYDROXYPHENYLPYRUVIC ACID OXIDASE DEFICIENCY; Tyrosinemia type 3; 4-alpha hydroxyphenylpyruvic acid oxidase deficiency; 4-alpha hydroxyphenylpyruvate dioxygenase deficiency; 4-Hydroxyphenylpyruvate dioxygenase deficiency. Identifiers: Orphanet 69723, MedGen C0268623, MONDO:0010162, OMIM 276710.

Submission:

Labcorp Genetics (formerly Invitae), Labcorp
Classification: Uncertain significance for Tyrosinemia type III; Hawkinsinuria. Last evaluated: 2022-08-19. Review status: criteria provided, single submitter. Criteria: Invitae Variant Classification Sherloc (09022015). Collection method: clinical testing. Allele origin: germline.
Comment: This variant has not been reported in the literature in individuals affected with HPD-related conditions. This variant is not present in population databases (gnomAD no frequency). This sequence change replaces phenylalanine, which is neutral and non-polar, with leucine, which is neutral and non-polar, at codon 364 of the HPD protein (p.Phe364Leu). Algorithms developed to predict the effect of missense changes on protein structure and function are either unavailable or do not agree on the potential impact of this missense change (SIFT: "Deleterious"; PolyPhen-2: "Probably Damaging"; Align-GVGD: "Class C0"). In summary, the available evidence is currently insufficient to determine the role of this variant in disease. Therefore, it has been classified as a Variant of Uncertain Significance.

NM_002150.3(HPD):c.1092C>A (p.Phe364Leu)

Genes: HPD (4-hydroxyphenylpyruvate dioxygenase; minus strand), TIALD (transcript inducer of AURKA lysosomal degradation; plus strand). Cytogenetic location: 12q24.31.
Variant type: single nucleotide variant.
Coding change: c.1092C>A on transcript NM_002150.3 (MANE Select); coding-DNA position 1092, C replaced by A.
Protein change: p.Phe364Leu; replaces phenylalanine 364 with leucine.
Molecular consequence: missense variant.
Genome position (GRCh38, 1-based): chr12:121,839,818, G>T on the plus strand (C>A on the coding strand, the complement: HPD is on the minus strand). VCF-style: chr12-121839818-G-T. GRCh37 (hg19) VCF-style: chr12-122277724-G-T.
Other names: c.975C>A, p.Phe325Leu (NM_001171993.2); short protein forms F325L, F364L.
Identifiers: ClinVar variation 1961869 (VCV001961869.5), dbSNP rs2500280390, ClinGen allele CA387008408.